The following is an entry in ClinVar:

ClinVar aggregate classification (germline): Pathogenic. Review status: criteria provided, multiple submitters, no conflicts (2 of 4 stars). 4 submissions from 4 submitters: Pathogenic (3). 1 of the submissions does not count toward it. Last evaluated 2025-12-19.

Conditions:
Argininosuccinate lyase deficiency. Also called: ARGININOSUCCINIC ACID LYASE DEFICIENCY; ASL DEFICIENCY; Argininosuccinic aciduria. Identifiers: Orphanet 23, MedGen C0268547, MONDO:0008815, OMIM 207900, HP:0025630.

Allele frequency attached by ClinVar (database versions not stated): gnomAD exomes below 0.00001; gnomAD 0.00001; TOPMed 0.00001.
gnomAD v4.1: 2 of 1,611,602 alleles (0.00012%); highest among the groups gnomAD compares: African/African-American, 0.0027%; no homozygotes.

Submissions (4):

Labcorp Genetics (formerly Invitae), Labcorp
Classification: Pathogenic for Argininosuccinate lyase deficiency. Last evaluated: 2025-12-19. Review status: criteria provided, single submitter. Criteria: Invitae Variant Classification Sherloc (09022015). Collection method: clinical testing. Allele origin: germline.
Comment: This sequence change affects a donor splice site in intron 6 of the ASL gene. It is expected to disrupt RNA splicing. Variants that disrupt the donor or acceptor splice site typically lead to a loss of protein function (PMID: 16199547), and loss-of-function variants in ASL are known to be pathogenic (PMID: 2263616, 24166829). This variant is not present in population databases (gnomAD no frequency). Disruption of this splice site has been observed in individuals with argininosuccinate lyase deficiency (PMID: 12384776). ClinVar contains an entry for this variant (Variation ID: 553540). Algorithms developed to predict the effect of sequence changes on RNA splicing suggest that this variant may disrupt the consensus splice site. For these reasons, this variant has been classified as Pathogenic.

Natera, Inc.
Classification: Pathogenic for Argininosuccinate lyase deficiency. Last evaluated: 2024-12-23. Review status: criteria provided, single submitter. Criteria: Natera Variant Classification Schema (03/2026). Collection method: clinical testing. Allele origin: germline.
Comment: The c.446+2T>C variant in ASL is a canonical splice donor site variant predicted to affect pre-mRNA splicing, which may result in an abnormal transcript and altered protein product. This variant is expected to result in nonsense mediated decay, truncation, or a dysfunctional protein product. This variant is rare in the general population with a frequency below the threshold expected for the associated phenotype(s). Another variant at this same site results in an alteration predicted to cause a similar molecular effect has been observed in individual(s) with the associated phenotype. Given the available evidence, this variant is classified as Pathogenic.

Baylor Genetics
Classification: Pathogenic for Argininosuccinate lyase deficiency. Last evaluated: 2023-08-09. Review status: criteria provided, single submitter. Criteria: ACMG Guidelines, 2015. Collection method: clinical testing. Allele origin: unknown.

Counsyl
Classification: Likely pathogenic for Argininosuccinate lyase deficiency. Last evaluated: 2017-08-29. Review status: no assertion criteria provided. Collection method: clinical testing. Allele origin: unknown. Not counted in ClinVar's aggregate classification.

Literature cited by the submitters: PubMed 16199547 (cited by Labcorp Genetics (formerly Invitae), Labcorp); PubMed 2263616 (cited by Labcorp Genetics (formerly Invitae), Labcorp); PubMed 24166829 (cited by Labcorp Genetics (formerly Invitae), Labcorp); PubMed 12384776 (cited by Labcorp Genetics (formerly Invitae), Labcorp).

NM_000048.4(ASL):c.446+2T>C

Gene: ASL (argininosuccinate lyase; plus strand). Cytogenetic location: 7q11.21.
Variant type: single nucleotide variant.
Coding change: c.446+2T>C on transcript NM_000048.4 (MANE Select); the canonical splice donor site of the intron after coding-DNA position 446, T replaced by C.
Molecular consequence: splice donor variant.
Genome position (GRCh38, 1-based): chr7:66,083,176, T>C. VCF-style: chr7-66083176-T-C. GRCh37 (hg19) VCF-style: chr7-65548163-T-C.
Other names: c.446+2T>C (NM_001024943.2, NM_001024944.2, NM_001024946.2 and 1 more transcripts).
Identifiers: ClinVar variation 553540 (VCV000553540.11), dbSNP rs1268519003, ClinGen allele CA367639582.